The following is an entry in ClinVar:

ClinVar aggregate classification (germline): Pathogenic (1 of 4 stars; one submission).

Submission:

Labcorp Genetics (formerly Invitae), Labcorp
Classification: Pathogenic. Last evaluated: 2019-09-05. Review status: criteria provided, single submitter. Criteria: Invitae Variant Classification Sherloc (09022015). Collection method: clinical testing. Allele origin: germline.
Comment: For these reasons, this variant has been classified as Pathogenic. Loss-of-function variants in PRKN are known to be pathogenic (PMID: 10072423, 20301651, 22956510). This variant has been observed to segregate with early-onset Parkinson's disease in a family (PMID: 26179350). This variant results in a copy number gain of the genomic region encompassing exon 6 of the PRKN gene. While the exact position of this variant cannot be determined from this data, sub-genic copy number gains are generally in tandem (PMID: 25640679) and may result in an absent or disrupted protein product.

Literature cited by the submitters: PubMed 10072423; PubMed 20301651; PubMed 22956510; PubMed 26179350; PubMed 25640679.

NC_000006.12:g.(?_161973292)_(161973427_?)dup

Gene: PRKN (parkin RBR E3 ubiquitin protein ligase; minus strand). Cytogenetic location: 6q26.
Variant type: Duplication.
Identifiers: ClinVar variation 832477 (VCV000832477.7).